The following is an entry in ClinVar:

ClinVar aggregate classification (germline): Uncertain significance. Review status: criteria provided, multiple submitters, no conflicts (2 of 4 stars). 7 submissions from 7 submitters: Uncertain significance (6). 1 of the submissions does not count toward it. Last evaluated 2025-10-06.

Conditions:
RYR1-related disorder. Also called: RYR1-related disorders; RYR1-related condition. Identifiers: MedGen CN239331.
Congenital multicore myopathy with external ophthalmoplegia (CMYO1B). Also called: MULTIMINICORE DISEASE WITH EXTERNAL OPHTHALMOPLEGIA; Congenital myopathy 1B, autosomal recessive; Minicore myopathy; Minicore myopathy with external ophthalmoplegia; MULTICORE MYOPATHY. Identifiers: Orphanet 598, Orphanet 98905, MedGen C1850674, MONDO:0009712, OMIM 255320, HP:0003789.
Congenital myopathy with fiber type disproportion. Also called: Congenital fiber-type disproportion myopathy; Congenital fiber-type disproportion. Identifiers: Orphanet 2020, MedGen C0546264, MONDO:0009711. Inheritance: all.
Malignant hyperthermia, susceptibility to, 1 (MHS1). Also called: Anesthesia related hyperthermia; Malignant hyperpyrexia; Fulminating hyperpyrexia; Pharmacogenic myopathy; RYR1-Related Malignant Hyperthermia Susceptibility; Malignant hyperthermia suceptibility 1. Identifiers: Orphanet 423, MedGen C2930980, MONDO:0007783, OMIM 145600.
Central core myopathy (CMYO1A). Also called: CONGENITAL MYOPATHY 1A, AUTOSOMAL DOMINANT, WITH SUSCEPTIBILITY TO MALIGNANT HYPERTHERMIA; Central core disease; Myopathy, central fibrillar. Identifiers: Orphanet 597, MedGen C5830701, MONDO:0007294, OMIM 117000.
King Denborough syndrome (KDS). Identifiers: MedGen C1840365, MONDO:0020485, OMIM 619542.

Allele frequency attached by ClinVar (database versions not stated): gnomAD exomes 0.00001 and 0.00002; ExAC 0.00002; TOPMed 0.00014; gnomAD 0.00016; ESP Exome Variant Server 0.00023.
gnomAD v4.1: 35 of 1,613,748 alleles (0.0022%); highest among the groups gnomAD compares: African/African-American, 0.039%; no homozygotes.

Submissions (7):

Color Diagnostics, LLC DBA Color Health
Classification: Uncertain significance for Malignant hyperthermia, susceptibility to, 1. Last evaluated: 2025-10-06. Review status: criteria provided, single submitter. Criteria: ACMG Guidelines, 2015. Collection method: clinical testing. Allele origin: germline.
Comment: This missense variant replaces aspartic acid with asparagine at codon 1413 of the RYR1 protein. Computational prediction is inconclusive regarding the impact of this variant on protein structure and function. To our knowledge, functional studies have not been reported for this variant. This variant has not been reported in individuals affected with RYR1-related disorders in the literature. This variant has been identified in 9/282154 chromosomes in the general population by the Genome Aggregation Database (gnomAD). The available evidence is insufficient to determine the role of this variant in disease conclusively. Therefore, this variant is classified as a Variant of Uncertain Significance.

Labcorp Genetics (formerly Invitae), Labcorp
Classification: Uncertain significance for RYR1-related disorder. Last evaluated: 2025-04-14. Review status: criteria provided, single submitter. Criteria: Invitae Variant Classification Sherloc (09022015). Collection method: clinical testing. Allele origin: germline.
Comment: This sequence change replaces aspartic acid, which is acidic and polar, with asparagine, which is neutral and polar, at codon 1413 of the RYR1 protein (p.Asp1413Asn). This variant is present in population databases (rs139142846, gnomAD 0.03%). This missense change has been observed in individual(s) with RYR1-related conditions (PMID: 32236737). ClinVar contains an entry for this variant (Variation ID: 590529). Invitae Evidence Modeling of protein sequence and biophysical properties (such as structural, functional, and spatial information, amino acid conservation, physicochemical variation, residue mobility, and thermodynamic stability) indicates that this missense variant is not expected to disrupt RYR1 protein function with a negative predictive value of 80%. In summary, the available evidence is currently insufficient to determine the role of this variant in disease. Therefore, it has been classified as a Variant of Uncertain Significance.

All of Us Research Program, National Institutes of Health
Classification: Uncertain significance for Malignant hyperthermia, susceptibility to, 1. Last evaluated: 2023-11-30. Review status: criteria provided, single submitter. Criteria: ACMG Guidelines, 2015. Collection method: clinical testing. Allele origin: germline. Inheritance: Autosomal dominant inheritance. Observed: 6 variant alleles, 6 heterozygotes.
Comment: This missense variant replaces aspartic acid with asparagine at codon 1413 of the RYR1 protein. Computational prediction is inconclusive regarding the impact of this variant on protein structure and function (internally defined REVEL score threshold 0.5 < inconclusive < 0.7, PMID: 27666373). To our knowledge, functional studies have not been reported for this variant. This variant has not been reported in individuals affected with RYR1-related disorders in the literature. This variant has been identified in 9/282154 chromosomes in the general population by the Genome Aggregation Database (gnomAD). The available evidence is insufficient to determine the role of this variant in disease conclusively. Therefore, this variant is classified as a Variant of Uncertain Significance.

This study involves interpretation of variants in research participants for the purpose of population health screening. Participant phenotype was not available at the time of variant classification. Additional details can be found in publication PMID: 35346344, PMCID: PMC8962531

GeneDx
Classification: Uncertain significance. Last evaluated: 2022-08-17. Review status: criteria provided, single submitter. Criteria: GeneDx Variant Classification Process June 2021. Collection method: clinical testing. Allele origin: germline. Affected: yes.
Comment: In silico analysis supports that this missense variant has a deleterious effect on protein structure/function; Has not been previously published as pathogenic or benign to our knowledge

Fulgent Genetics
Classification: Uncertain significance for Central core myopathy; Malignant hyperthermia, susceptibility to, 1; Congenital myopathy 4A, autosomal dominant; Congenital multicore myopathy with external ophthalmoplegia; King Denborough syndrome. Last evaluated: 2021-09-08. Review status: criteria provided, single submitter. Criteria: ACMG Guidelines, 2015. Collection method: clinical testing. Allele origin: unknown.

Revvity Omics, Revvity
Classification: Uncertain significance. Last evaluated: 2021-05-24. Review status: criteria provided, single submitter. Criteria: ACMG Guidelines, 2015. Collection method: clinical testing. Allele origin: germline.

PreventionGenetics, part of Exact Sciences
Classification: Uncertain significance for RYR1-related condition. Last evaluated: 2023-10-23. Review status: no assertion criteria provided. Collection method: clinical testing. Allele origin: germline. Not counted in ClinVar's aggregate classification.
Comment: The RYR1 c.4237G>A variant is predicted to result in the amino acid substitution p.Asp1413Asn. To our knowledge, this variant has not been reported in the literature. This variant is reported in 0.028% of alleles in individuals of African descent in gnomAD. At this time, the clinical significance of this variant is uncertain due to the absence of conclusive functional and genetic evidence.

Literature cited by the submitters: PubMed 32236737 (cited by Labcorp Genetics (formerly Invitae), Labcorp).

NM_000540.3(RYR1):c.4237G>A (p.Asp1413Asn)

Gene: RYR1 (ryanodine receptor 1; plus strand). Cytogenetic location: 19q13.2.
Variant type: single nucleotide variant.
Coding change: c.4237G>A on transcript NM_000540.3 (MANE Select); coding-DNA position 4237, G replaced by A.
Protein change: p.Asp1413Asn; replaces aspartic acid 1413 with asparagine.
Molecular consequence: missense variant.
Genome position (GRCh38, 1-based): chr19:38,475,394, G>A. VCF-style: chr19-38475394-G-A. GRCh37 (hg19) VCF-style: chr19-38966034-G-A.
Other names: c.4237G>A, p.Asp1413Asn (NM_001042723.2); short protein forms D1413N.
Identifiers: ClinVar variation 590529 (VCV000590529.13), dbSNP rs139142846, ClinGen allele CA065698.